The following is an entry in ClinVar:

ClinVar aggregate classification (germline): Uncertain significance (1 of 4 stars; one submission).

Conditions:
Amyotrophic lateral sclerosis type 1 (ALS1). Also called: AMYOTROPHIC LATERAL SCLEROSIS 1, FAMILIAL. Identifiers: Orphanet 803, MedGen C1862939, MONDO:0007103, OMIM 105400.
Neuronopathy, distal hereditary motor, type 7B. Also called: HMN VIIB; LOWER MOTOR NEURON DISEASE, DYNACTIN TYPE; NEURONOPATHY, DISTAL HEREDITARY MOTOR, AUTOSOMAL DOMINANT 14; NEURONOPATHY, DISTAL HEREDITARY MOTOR, HARDING TYPE VIIB; NEUROPATHY, DISTAL HEREDITARY MOTOR, HARDING TYPE VIIB; NEUROPATHY, DISTAL HEREDITARY MOTOR, WITH VOCAL CORD PARALYSIS, HARDING TYPE VIIB. Identifiers: Orphanet 139589, MedGen C1843315, MONDO:0011879, OMIM 607641.
Perry syndrome. Also called: PARKINSONISM WITH ALVEOLAR HYPOVENTILATION AND MENTAL DEPRESSION. Identifiers: Orphanet 178509, MedGen C1868594, MONDO:0008201, OMIM 168605.

gnomAD v4.1: 13 of 1,613,432 alleles (0.00081%); highest among the groups gnomAD compares: African/African-American, 0.0027%; no homozygotes.

Submission:

Labcorp Genetics (formerly Invitae), Labcorp
Classification: Uncertain significance for Amyotrophic lateral sclerosis type 1; Neuronopathy, distal hereditary motor, type 7B; Perry syndrome. Last evaluated: 2024-04-26. Review status: criteria provided, single submitter. Criteria: Invitae Variant Classification Sherloc (09022015). Collection method: clinical testing. Allele origin: germline.
Comment: This sequence change replaces threonine, which is neutral and polar, with lysine, which is basic and polar, at codon 124 of the DCTN1 protein (p.Thr124Lys). This variant is present in population databases (rs769430160, gnomAD 0.01%). This variant has not been reported in the literature in individuals affected with DCTN1-related conditions. Advanced modeling of protein sequence and biophysical properties (such as structural, functional, and spatial information, amino acid conservation, physicochemical variation, residue mobility, and thermodynamic stability) performed at Invitae indicates that this missense variant is not expected to disrupt DCTN1 protein function with a negative predictive value of 80%. In summary, the available evidence is currently insufficient to determine the role of this variant in disease. Therefore, it has been classified as a Variant of Uncertain Significance.

NM_004082.5(DCTN1):c.371C>A (p.Thr124Lys)

Gene: DCTN1 (dynactin subunit 1; minus strand). Cytogenetic location: 2p13.1.
Variant type: single nucleotide variant.
Coding change: c.371C>A on transcript NM_004082.5 (MANE Select); coding-DNA position 371, C replaced by A.
Protein change: p.Thr124Lys; replaces threonine 124 with lysine.
Molecular consequence: missense variant. On other transcripts: non-coding transcript variant (1).
Genome position (GRCh38, 1-based): chr2:74,377,454, G>T on the plus strand (C>A on the coding strand, the complement: DCTN1 is on the minus strand). VCF-style: chr2-74377454-G-T. GRCh37 (hg19) VCF-style: chr2-74604581-G-T.
Other names: c.371C>A, p.Thr124Lys (NM_001135040.3, NM_001190837.2); c.320C>A, p.Thr107Lys (NM_001190836.2, NM_001378991.1, NM_001378992.1); short protein forms T107K, T124K.
Identifiers: ClinVar variation 3761457 (VCV003761457.2).